The following is an entry in ClinVar:

NM_000719.7(CACNA1C):c.4742C>G (p.Ala1581Gly)

Gene: CACNA1C (calcium voltage-gated channel subunit alpha1 C; plus strand). Cytogenetic location: 12p13.33.
Variant type: single nucleotide variant.
Coding change: c.4742C>G on transcript NM_000719.7 (MANE Select); coding-DNA position 4742, C replaced by G.
Protein change: p.Ala1581Gly; replaces alanine 1581 with glycine.
Molecular consequence: missense variant.
Genome position (GRCh38, 1-based): chr12:2,674,556, C>G. VCF-style: chr12-2674556-C-G. GRCh37 (hg19) VCF-style: chr12-2783722-C-G.
Other names: c.4886C>G, p.Ala1629Gly (NM_001129827.2, NM_199460.4); c.4865C>G, p.Ala1622Gly (NM_001129829.2); c.4742C>G, p.Ala1581Gly (NM_001129830.3, NM_001167623.2, NM_001167624.3 and 4 more transcripts); c.4826C>G, p.Ala1609Gly (NM_001129831.2); c.4802C>G, p.Ala1601Gly (NM_001129832.2); c.4799C>G, p.Ala1600Gly (NM_001129833.2, NM_001129834.2, NM_001129835.2); c.4793C>G, p.Ala1598Gly (NM_001129836.2); c.4709C>G, p.Ala1570Gly (NM_001129846.2, NM_001167625.2); and 3 more; short protein forms A1581G, A1600G, A1629G, A1570G, A1578G, A1589G, A1601G, A1609G.
Identifiers: ClinVar variation 4795710 (VCV004795710.1).

ClinVar aggregate classification (germline): Uncertain significance (1 of 4 stars; one submission).

Submission:

GeneDx
Classification: Uncertain significance. Last evaluated: 2025-08-13. Review status: criteria provided, single submitter. Criteria: GeneDx Variant Classification Process June 2021. Collection method: clinical testing. Allele origin: germline. Affected: yes.
Comment: Not observed at significant frequency in large population cohorts (gnomAD); In silico analysis supports that this missense variant has a deleterious effect on protein structure/function; Has not been previously published as pathogenic or benign to our knowledge